The following is an entry in ClinVar:

ClinVar aggregate classification (germline): Uncertain significance (1 of 4 stars; one submission).

Submission:

GeneDx
Classification: Uncertain significance. Last evaluated: 2024-04-03. Review status: criteria provided, single submitter. Criteria: GeneDx Variant Classification Process June 2021. Collection method: clinical testing. Allele origin: germline. Affected: yes.
Comment: Not observed at significant frequency in large population cohorts (gnomAD); In silico analysis supports that this missense variant has a deleterious effect on protein structure/function; Has not been previously published as pathogenic or benign to our knowledge

NM_001348716.2(KDM6B):c.3550C>T (p.Pro1184Ser)

Gene: KDM6B (lysine demethylase 6B; plus strand). Cytogenetic location: 17p13.1.
Variant type: single nucleotide variant.
Coding change: c.3550C>T on transcript NM_001348716.2 (MANE Select); coding-DNA position 3550, C replaced by T.
Protein change: p.Pro1184Ser; replaces proline 1184 with serine.
Molecular consequence: missense variant.
Genome position (GRCh38, 1-based): chr17:7,849,930, C>T. VCF-style: chr17-7849930-C-T. GRCh37 (hg19) VCF-style: chr17-7753248-C-T.
Other names: c.3550C>T, p.Pro1184Ser (NM_001080424.2); short protein forms P1184S.
Identifiers: ClinVar variation 3371466 (VCV003371466.1).